The following is an entry in ClinVar:

NM_001271.4(CHD2):c.3886A>T (p.Ile1296Phe)

Gene: CHD2 (chromodomain helicase DNA binding protein 2; plus strand). Cytogenetic location: 15q26.1.
Variant type: single nucleotide variant.
Coding change: c.3886A>T on transcript NM_001271.4 (MANE Select); coding-DNA position 3886, A replaced by T.
Protein change: p.Ile1296Phe; replaces isoleucine 1296 with phenylalanine.
Molecular consequence: missense variant.
Genome position (GRCh38, 1-based): chr15:92,998,499, A>T. VCF-style: chr15-92998499-A-T. GRCh37 (hg19) VCF-style: chr15-93541729-A-T.
Other names: short protein forms I1296F.
Identifiers: ClinVar variation 1879311 (VCV001879311.29), dbSNP rs2505593779, ClinGen allele CA393899161.

ClinVar aggregate classification (germline): Uncertain significance (1 of 4 stars; one submission).

Submission:

CeGaT Center for Human Genetics Tuebingen
Classification: Uncertain significance. Last evaluated: 2022-12-01. Review status: criteria provided, single submitter. Criteria: CeGaT Center For Human Genetics Tuebingen Variant Classification Criteria Version 2. Collection method: clinical testing. Allele origin: germline. Affected: yes. Observed: 1 variant allele.
Comment: CHD2: PM2, PS2:Moderate, PP2